The following is an entry in ClinVar:

ClinVar aggregate classification (germline): Likely benign (1 of 4 stars; one submission).

Conditions:
ELP1-related disorder. Also called: ELP1-related condition.

gnomAD v4.1: 1 of 1,611,178 alleles (0.000062%); highest among the groups gnomAD compares: African/African-American, 0.0013%; no homozygotes.

Submission:

PreventionGenetics, part of Exact Sciences
Classification: Likely benign for ELP1-related condition. Last evaluated: 2025-09-24. Review status: criteria provided, single submitter. Criteria: ACMG Guidelines, 2015. Collection method: clinical testing. Allele origin: germline.
Comment: This variant is classified as likely benign based on ACMG/AMP sequence variant interpretation guidelines (Richards et al. 2015 PMID: 25741868, with internal and published modifications).

NM_003640.5(ELP1):c.3453A>G (p.Ala1151=)

Gene: ELP1 (elongator acetyltransferase complex subunit 1; minus strand). Cytogenetic location: 9q31.3.
Variant type: single nucleotide variant.
Coding change: c.3453A>G on transcript NM_003640.5 (MANE Select); coding-DNA position 3453, A replaced by G.
Protein change: p.Ala1151=; no amino-acid change (alanine 1151 retained).
Molecular consequence: synonymous variant.
Genome position (GRCh38, 1-based): chr9:108,880,059, T>C on the plus strand (A>G on the coding strand, the complement: ELP1 is on the minus strand). VCF-style: chr9-108880059-T-C. GRCh37 (hg19) VCF-style: chr9-111642339-T-C.
Other names: c.3111A>G, p.Ala1037= (NM_001318360.2); c.2406A>G, p.Ala802= (NM_001330749.2).
Identifiers: ClinVar variation 5000249 (VCV005000249.1).